The following is an entry in ClinVar:

ClinVar aggregate classification (germline): Uncertain significance (1 of 4 stars; one submission).

gnomAD v4.1: 10 of 1,614,090 alleles (0.00062%); highest among the groups gnomAD compares: Non-Finnish European, 0.00068%; no homozygotes.

Submission:

Mayo Clinic Laboratories, Mayo Clinic
Classification: Uncertain significance. Last evaluated: 2025-10-10. Review status: criteria provided, single submitter. Criteria: ACMG Guidelines, 2015. Collection method: clinical testing. Allele origin: germline. Observed: 1 variant allele.
Comment: PM2_supporting

NM_015378.4(VPS13D):c.12703G>T (p.Gly4235Trp)

Gene: VPS13D (vacuolar protein sorting 13 homolog D; plus strand). Cytogenetic location: 1p36.22.
Variant type: single nucleotide variant.
Coding change: c.12703G>T on transcript NM_015378.4 (MANE Select); coding-DNA position 12703, G replaced by T.
Protein change: p.Gly4235Trp; replaces glycine 4235 with tryptophan.
Molecular consequence: missense variant.
Genome position (GRCh38, 1-based): chr1:12,497,540, G>T. VCF-style: chr1-12497540-G-T. GRCh37 (hg19) VCF-style: chr1-12557594-G-T.
Other names: p.Gly4235Trp; c.12628G>T, p.Gly4210Trp (NM_018156.4); short protein forms G4235W, G4210W.
Identifiers: ClinVar variation 4540765 (VCV004540765.1).